The following is an entry in ClinVar:

NM_001852.4(COL9A2):c.1486G>A (p.Gly496Ser)

Gene: COL9A2 (collagen type IX alpha 2 chain; minus strand). Cytogenetic location: 1p34.2.
Variant type: single nucleotide variant.
Coding change: c.1486G>A on transcript NM_001852.4 (MANE Select); coding-DNA position 1486, G replaced by A.
Protein change: p.Gly496Ser; replaces glycine 496 with serine.
Molecular consequence: missense variant.
Genome position (GRCh38, 1-based): chr1:40,303,592, C>T on the plus strand (G>A on the coding strand, the complement: COL9A2 is on the minus strand). VCF-style: chr1-40303592-C-T. GRCh37 (hg19) VCF-style: chr1-40769264-C-T.
Other names: short protein forms G496S.
Identifiers: ClinVar variation 4765490 (VCV004765490.1).

ClinVar aggregate classification (germline): Uncertain significance (1 of 4 stars; one submission).

gnomAD v4.1: 6 of 1,607,644 alleles (0.00037%); highest among the groups gnomAD compares: Middle Eastern, 0.033%; no homozygotes.

Submission:

Labcorp Genetics (formerly Invitae), Labcorp
Classification: Uncertain significance. Last evaluated: 2025-07-16. Review status: criteria provided, single submitter. Criteria: Invitae Variant Classification Sherloc (09022015). Collection method: clinical testing. Allele origin: germline.
Comment: This sequence change replaces glycine, which is neutral and non-polar, with serine, which is neutral and polar, at codon 496 of the COL9A2 protein (p.Gly496Ser). This variant is present in population databases (no rsID available, gnomAD 0.01%). This variant has not been reported in the literature in individuals affected with COL9A2-related conditions. Invitae Evidence Modeling of protein sequence and biophysical properties (such as structural, functional, and spatial information, amino acid conservation, physicochemical variation, residue mobility, and thermodynamic stability) indicates that this missense variant is expected to disrupt COL9A2 protein function with a positive predictive value of 95%. In summary, the available evidence is currently insufficient to determine the role of this variant in disease. Therefore, it has been classified as a Variant of Uncertain Significance.